The following is an entry in ClinVar:

NM_182961.4(SYNE1):c.4009-322T>G

Gene: SYNE1 (spectrin repeat containing nuclear envelope protein 1; minus strand). Cytogenetic location: 6q25.2.
Variant type: single nucleotide variant.
Coding change: c.4009-322T>G on transcript NM_182961.4 (MANE Select); 322 bases into the intron before coding-DNA position 4009, T replaced by G.
Molecular consequence: intron variant.
Genome position (GRCh38, 1-based): chr6:152,441,592, A>C on the plus strand (T>G on the coding strand, the complement: SYNE1 is on the minus strand). VCF-style: chr6-152441592-A-C. GRCh37 (hg19) VCF-style: chr6-152762727-A-C.
Other names: c.4030-322T>G (NM_033071.5).
Identifiers: ClinVar variation 674257 (VCV000674257.1), dbSNP rs112485973, ClinGen allele CA150229581.
Genomic context (GRCh38, chr6:152,441,592, plus strand): 5'-ATATTACTTAAAATGTAGATAAGTGACAAAAAAATAAAAAAGGCCTCTCAATCTGTCTCA[A>C]ACAAGAAAGGAAGCACAGAAGAAGGTAGGGAGAGGGACAAGGAGATGAAGAGAGAGCATT-3'

ClinVar aggregate classification (germline): Likely benign (1 of 4 stars; one submission).

Allele frequency attached by ClinVar (database versions not stated): 1000 Genomes Project 0.01458; 1000 Genomes Project 30x 0.01483; TOPMed 0.01722; gnomAD 0.01764 and 0.01774.
gnomAD v4.1: 2,676 of 152,334 alleles (1.8%); highest among the groups gnomAD compares: Admixed American, 4.4%; 45 homozygotes.

Submission:

GeneDx
Classification: Likely benign. Last evaluated: 2018-06-19. Review status: criteria provided, single submitter. Criteria: GeneDx Variant Classification (06012015). Collection method: clinical testing. Allele origin: germline. Affected: yes.
Comment: This variant is considered likely benign or benign based on one or more of the following criteria: it is a conservative change, it occurs at a poorly conserved position in the protein, it is predicted to be benign by multiple in silico algorithms, and/or has population frequency not consistent with disease.